The following is an entry in ClinVar:

NM_203447.4(DOCK8):c.1588G>A (p.Val530Met)

Gene: DOCK8 (dedicator of cytokinesis 8; plus strand). Cytogenetic location: 9p24.3.
Variant type: single nucleotide variant.
Coding change: c.1588G>A on transcript NM_203447.4 (MANE Select); coding-DNA position 1588, G replaced by A.
Protein change: p.Val530Met; replaces valine 530 with methionine.
Molecular consequence: missense variant.
Genome position (GRCh38, 1-based): chr9:340,230, G>A. VCF-style: chr9-340230-G-A. GRCh37 (hg19) VCF-style: chr9-340230-G-A.
Other names: c.1384G>A, p.Val462Met (NM_001190458.2, NM_001193536.2); short protein forms V462M, V530M.
Identifiers: ClinVar variation 661405 (VCV000661405.12), dbSNP rs373187839, ClinGen allele CA4957797.
Genomic context (GRCh38, chr9:340,230, plus strand): 5'-CTGGAGATTTCTACAGCTCCAGAGATCATCAATTGCTGTCTGACTCCTGAAATGCTGCCC[G>A]TGAAACCCTTTCCTGAAAACCGGACACGCCCGCACAAAGAGATTTTGGAATTTCCAACAC-3'
Protein context (NP_982272.2, residues 520-540): NCCLTPEMLP[Val530Met]KPFPENRTRP

ClinVar aggregate classification (germline): Uncertain significance. Review status: criteria provided, multiple submitters, no conflicts (2 of 4 stars). 4 submissions from 4 submitters: Uncertain significance (3). 1 of the submissions does not count toward it. Last evaluated 2024-10-10.

Conditions:
Intellectual disability. Also called: Intellectual functioning disability; intellectual disabilities; Intellectual developmental disorder. Identifiers: MedGen C3714756, MeSH D008607, MONDO:0001071, HP:0001249.
Combined immunodeficiency due to DOCK8 deficiency (HIES2). Also called: HIES autosomal recessive; HYPER-IgE RECURRENT INFECTION SYNDROME 2, AUTOSOMAL RECESSIVE; HYPER-IgE SYNDROME 2, AUTOSOMAL RECESSIVE, WITH RECURRENT INFECTIONS; Hyper-IgE recurrent infection syndrome, autosomal recessive; DOCK8 Deficiency. Identifiers: Orphanet 217390, MedGen C4722305, MONDO:0009478, OMIM 243700.

Allele frequency attached by ClinVar (database versions not stated): TOPMed 0.00003; gnomAD exomes 0.00005; ExAC 0.00007; ESP Exome Variant Server 0.00008; gnomAD 0.00013.

Submissions (4):

Blueprint Genetics
Classification: Uncertain significance. Last evaluated: 2024-10-10. Review status: criteria provided, single submitter. Criteria: ACMG Guidelines, 2015. Collection method: clinical testing. Allele origin: germline.

Labcorp Genetics (formerly Invitae), Labcorp
Classification: Uncertain significance for Combined immunodeficiency due to DOCK8 deficiency. Last evaluated: 2022-10-17. Review status: criteria provided, single submitter. Criteria: Invitae Variant Classification Sherloc (09022015). Collection method: clinical testing. Allele origin: germline.
Comment: This sequence change replaces valine, which is neutral and non-polar, with methionine, which is neutral and non-polar, at codon 530 of the DOCK8 protein (p.Val530Met). This variant is present in population databases (rs373187839, gnomAD 0.008%). This variant has not been reported in the literature in individuals affected with DOCK8-related conditions. ClinVar contains an entry for this variant (Variation ID: 661405). Advanced modeling of protein sequence and biophysical properties (such as structural, functional, and spatial information, amino acid conservation, physicochemical variation, residue mobility, and thermodynamic stability) performed at Invitae indicates that this missense variant is not expected to disrupt DOCK8 protein function. In summary, the available evidence is currently insufficient to determine the role of this variant in disease. Therefore, it has been classified as a Variant of Uncertain Significance.

Revvity Omics, Revvity
Classification: Uncertain significance for Combined immunodeficiency due to DOCK8 deficiency. Last evaluated: 2022-03-03. Review status: criteria provided, single submitter. Criteria: ACMG Guidelines, 2015. Collection method: clinical testing. Allele origin: germline.

Centre de Biologie Pathologie Génétique, Centre Hospitalier Universitaire de Lille
Classification: Likely benign for Intellectual disability. Last evaluated: 2019-01-01. Review status: no assertion criteria provided. Collection method: clinical testing. Allele origin: inherited. Affected: yes. Not counted in ClinVar's aggregate classification.